The following is an entry in ClinVar:

NM_014251.3(SLC25A13):c.127C>T (p.Arg43Ter)

Gene: SLC25A13 (solute carrier family 25 member 13; minus strand). Cytogenetic location: 7q21.3.
Variant type: single nucleotide variant.
Coding change: c.127C>T on transcript NM_014251.3 (MANE Select); coding-DNA position 127, C replaced by T.
Protein change: p.Arg43Ter; replaces arginine 43 with a stop codon.
Molecular consequence: nonsense. On other transcripts: non-coding transcript variant (1).
Genome position (GRCh38, 1-based): chr7:96,277,281, G>A on the plus strand (C>T on the coding strand, the complement: SLC25A13 is on the minus strand). VCF-style: chr7-96277281-G-A. GRCh37 (hg19) VCF-style: chr7-95906593-G-A.
Other names: c.127C>T (NM_014251.2); c.127C>T, p.Arg43Ter (NM_001160210.2); short protein forms R43*.
Identifiers: ClinVar variation 1361947 (VCV001361947.18), dbSNP rs780525233, ClinGen allele CA4353380.

ClinVar aggregate classification (germline): Pathogenic/Likely pathogenic. Review status: criteria provided, multiple submitters, no conflicts (2 of 4 stars). 8 submissions from 8 submitters: Pathogenic (6); Likely pathogenic (2). Last evaluated 2026-07-07.

Conditions:
Neonatal intrahepatic cholestasis due to citrin deficiency (CDNI). Also called: Neonatal-onset citrullinemia type II; Neonatal-onset citrullinemia type 2; CITRIN DEFICIENCY, NEONATAL OR INFANTILE ONSET; Neonatal Intrahepatic Cholestasis Caused by Citrin Deficiency (NICCD). Identifiers: Orphanet 247598, MedGen C1853942, MONDO:0011601, OMIM 605814.
Citrullinemia, type II, adult-onset (CDAA). Also called: CITRIN DEFICIENCY, ADOLESCENT OR ADULT ONSET. Identifiers: Orphanet 247585, MedGen CN295299, MONDO:0011326, OMIM 603471.
Citrullinemia. Identifiers: Orphanet 187, MedGen C0175683, MONDO:0015991.
Citrin deficiency. Identifiers: Orphanet 247582, MedGen C1997910, MONDO:0016602.
SLC25A13-related disorder. Also called: SLC25A13-related condition.

Allele frequency attached by ClinVar (database versions not stated): TOPMed 0.00002; gnomAD exomes 0.00005; gnomAD 0.00003; ExAC 0.00004.
gnomAD v4.1: 84 of 1,612,538 alleles (0.0052%); highest among the groups gnomAD compares: Non-Finnish European, 0.0066%; no homozygotes.

Submissions (8):

PreventionGenetics, part of Exact Sciences
Classification: Pathogenic for SLC25A13-related condition. Last evaluated: 2026-07-07. Review status: criteria provided, single submitter. Criteria: ACMG Guidelines, 2015. Collection method: clinical testing. Allele origin: germline.
Comment: The SLC25A13 c.127C>T variant is predicted to result in premature protein termination (p.Arg43*). This variant was reported in the homozygous state or heterozygous with a second pathogenic SLC25A13 variant in four French-Canadian individuals with citrin deficiency. Two of the reported individuals were related and the identified variants were confirmed to be in trans in that family (Dimmock et al. 2009. PubMed ID: 19036621). This variant is reported in 0.0093% of alleles in individuals of European (Non-Finnish) descent in gnomAD. Nonsense variants in SLC25A13 are expected to be pathogenic. This variant is interpreted as pathogenic.

GeneDx
Classification: Pathogenic. Last evaluated: 2026-04-01. Review status: criteria provided, single submitter. Criteria: GeneDx Variant Classification Process June 2021. Collection method: clinical testing. Allele origin: germline.
Comment: Nonsense variant predicted to result in protein truncation or nonsense mediated decay in a gene for which loss of function is a known mechanism of disease; Not observed at significant frequency in large population cohorts (gnomAD); This variant is associated with the following publications: (PMID: 25525159, 40387751, 24069319, 40309478, 40992288, 19036621, 36451132, 29625052)

Labcorp Genetics (formerly Invitae), Labcorp
Classification: Pathogenic for Citrin deficiency. Last evaluated: 2026-01-20. Review status: criteria provided, single submitter. Criteria: Invitae Variant Classification Sherloc (09022015). Collection method: clinical testing. Allele origin: germline.
Comment: This sequence change creates a premature translational stop signal (p.Arg43*) in the SLC25A13 gene. It is expected to result in an absent or disrupted protein product. Loss-of-function variants in SLC25A13 are known to be pathogenic (PMID: 10369257, 14680984, 27405544). This variant is present in population databases (rs780525233, gnomAD 0.01%). This premature translational stop signal has been observed in individual(s) with SLC25A13-related conditions (PMID: 19036621). ClinVar contains an entry for this variant (Variation ID: 1361947). For these reasons, this variant has been classified as Pathogenic.

Natera, Inc.
Classification: Pathogenic for Citrullinemia. Last evaluated: 2025-10-16. Review status: criteria provided, single submitter. Criteria: Natera Variant Classification Schema (03/2026). Collection method: clinical testing. Allele origin: germline.
Comment: The c.127C>T variant in SLC25A13 is a nonsense variant predicted to introduce a stop codon at amino acid 43. This variant is expected to result in nonsense mediated decay, truncation, or a dysfunctional protein product. This variant is rare in the general population with a frequency below the threshold expected for the associated phenotype(s). This variant has been observed in one or more individuals affected with the associated recessive disease, as either homozygous or compound heterozygous with a second variant (PMID: 19036621). Given the available evidence, this variant is classified as Pathogenic.

Blueprint Genetics
Classification: Pathogenic for SLC25A13-related disorders. Last evaluated: 2024-10-08. Review status: criteria provided, single submitter. Criteria: ACMG Guidelines, 2015. Collection method: clinical testing. Allele origin: germline. Affected: yes. Observed: 5 variant alleles.

Baylor Genetics
Classification: Pathogenic for Citrullinemia, type II, adult-onset. Last evaluated: 2024-03-05. Review status: criteria provided, single submitter. Criteria: ACMG Guidelines, 2015. Collection method: clinical testing. Allele origin: unknown.

Revvity Omics, Revvity
Classification: Likely pathogenic. Last evaluated: 2023-01-19. Review status: criteria provided, single submitter. Criteria: ACMG Guidelines, 2015. Collection method: clinical testing. Allele origin: germline.

Fulgent Genetics
Classification: Likely pathogenic for Citrullinemia, type II, adult-onset; Neonatal intrahepatic cholestasis due to citrin deficiency. Last evaluated: 2022-05-12. Review status: criteria provided, single submitter. Criteria: ACMG Guidelines, 2015. Collection method: clinical testing. Allele origin: unknown.

Literature cited by the submitters: PubMed 10369257 (cited by Labcorp Genetics (formerly Invitae), Labcorp); PubMed 14680984 (cited by Labcorp Genetics (formerly Invitae), Labcorp); PubMed 27405544 (cited by Labcorp Genetics (formerly Invitae), Labcorp); PubMed 19036621 (cited by Labcorp Genetics (formerly Invitae), Labcorp and Natera, Inc.).